The following is an entry in ClinVar:

ClinVar aggregate classification (germline): Conflicting classifications of pathogenicity. Review status: criteria provided, conflicting classifications (1 of 4 stars). 3 submissions from 3 submitters: Pathogenic (1); Uncertain significance (1). 1 of the submissions does not count toward it. Last evaluated 2026-04-21.

Conditions:
NR0B2-related disorder. Also called: NR0B2-related condition.
Obesity. Also called: Obesity disorder. Identifiers: Orphanet 71529, MedGen C0028754, MeSH D009765, MONDO:0011122, HP:0001513.
APC-mutation negative familial colorectal cancer.

Submissions (3):

PreventionGenetics, part of Exact Sciences
Classification: Uncertain significance for NR0B2-related condition. Last evaluated: 2026-04-21. Review status: criteria provided, single submitter. Criteria: ACMG Guidelines, 2015. Collection method: clinical testing. Allele origin: germline.
Comment: The NR0B2 c.227delT variant is predicted to result in a frameshift and premature protein termination (p.Phe76Serfs*30). This variant was reported in an individual with early onset colorectal cancer and obesity that also had a pathogenic APC variant (Patient 457 in Lam et al. 2021. PubMed ID: 33094510). This variant is reported in 0.10% of alleles in individuals of South Asian descent in gnomAD. Heterozygous chain-terminating variants have been associated with mild obesity in a small number of subjects in the literature (Nishigori et al. 2001. PubMed ID: 11136233); however, genomic data from the gnomAD cohort suggests that NR0B2 is tolerant to chain-terminating variants. The current clinical evidence is insufficient to determine whether loss-of-function variants in NR0B2 cause disease. At this time, the clinical significance of this variant is uncertain due to the absence of conclusive functional and genetic evidence.

Mendelics
Classification: Pathogenic for Inherited obesity. Last evaluated: 2022-05-04. Review status: criteria provided, single submitter. Criteria: Mendelics Assertion Criteria 2019. Collection method: clinical testing. Allele origin: germline.

Colorectal Cancer Research Lab, Singapore General Hospital
Classification: Likely pathogenic for APC-mutation negative familial colorectal cancer. Last evaluated: 2019-05-31. Review status: no assertion criteria provided. Collection method: research. Allele origin: germline. Affected: yes. Observed: 1 variant allele. Not counted in ClinVar's aggregate classification.

Literature cited by the submitters: PubMed 33094510 (cited by Colorectal Cancer Research Lab, Singapore General Hospital).

NM_021969.3(NR0B2):c.227del (p.Phe76fs)

Genes: NR0B2 (nuclear receptor subfamily 0 group B member 2; minus strand), NUDC (nuclear distribution C, dynein complex regulator; plus strand). Cytogenetic location: 1p36.11.
Variant type: Deletion.
Coding change: c.227del on transcript NM_021969.3 (MANE Select); coding-DNA position 227, one base deleted (T; older notation c.227delT).
Protein change: p.Phe76fs; shifts the reading frame from phenylalanine 76.
Molecular consequence: frameshift variant.
Genome position (GRCh38, 1-based): chr1:26,913,714, A deleted on the plus strand (T on the coding strand, the reverse complement: NR0B2 is on the minus strand); the first of 2 consecutive A bases (chr1:26,913,714-26,913,715); deleting either gives the same sequence. VCF-style (leftmost placement, unchanged base first): chr1-26913713-GA-G. GRCh37 (hg19) VCF-style: chr1-27240204-GA-G.
Other names: c.227delT (NM_021969.3, NM_021969.2); short protein forms F76fs.
Identifiers: ClinVar variation 636300 (VCV000636300.3), dbSNP rs779783209, ClinGen allele CA709695.